The following is an entry in ClinVar:

ClinVar aggregate classification (germline): Pathogenic/Likely pathogenic. Review status: criteria provided, multiple submitters, no conflicts (2 of 4 stars). 4 submissions from 4 submitters: Pathogenic (1); Likely pathogenic (3). Last evaluated 2026-07-01.

Conditions:
GAA-related disorders.
Glycogen storage disease, type II (IOPD). Also called: Glycogen storage disease type 2; Acid maltase deficiency disease; Aglucosidase alfa; Deficiency of alpha-glucosidase; Deficiency of lysosomal alpha-glucosidase; Glucosidase acid-1,4-alpha deficiency. Identifiers: Orphanet 365, MedGen C0017921, MONDO:0009290, OMIM 232300.

Submissions (4):

Genomenon, Inc
Classification: Likely pathogenic for Glycogen storage disease, type II. Last evaluated: 2026-07-01. Review status: criteria provided, single submitter. Criteria: Genomenon Sequence Variant Interpretation Standards - Updated. Collection method: curation. Allele origin: germline.
Comment: GAA p.Leu574Pro (c.1721T>C) is a missense variant that changes the amino acid at codon 574 from Leucine to Proline. This variant has been reported in the compound heterozygous and/or homozygous state in an individual without a confirmed diagnosis of Pompe disease (PMID:36246652;35605642;33202836;31392189;37670900;35123877). At least one functional study has demonstrated a substantial alteration in protein function relative to the wild-type (PMID:36246652). It is absent or not present at a significant frequency in gnomAD. In silico models predict that this variant is possibly or probably damaging. In conclusion, we classify GAA p.Leu574Pro (c.1721T>C) as a likely pathogenic variant.

Labcorp Genetics (formerly Invitae), Labcorp
Classification: Pathogenic for Glycogen storage disease, type II. Last evaluated: 2025-07-08. Review status: criteria provided, single submitter. Criteria: Invitae Variant Classification Sherloc (09022015). Collection method: clinical testing. Allele origin: germline.
Comment: This sequence change replaces leucine, which is neutral and non-polar, with proline, which is neutral and non-polar, at codon 574 of the GAA protein (p.Leu574Pro). This variant is not present in population databases (gnomAD no frequency). This missense change has been observed in individual(s) with clinical features of Pompe disease (PMID: 31342611, 33202836, 36246652, 37670900). In at least one individual the data is consistent with being in trans (on the opposite chromosome) from a pathogenic variant. ClinVar contains an entry for this variant (Variation ID: 2675764). Invitae Evidence Modeling of protein sequence and biophysical properties (such as structural, functional, and spatial information, amino acid conservation, physicochemical variation, residue mobility, and thermodynamic stability) indicates that this missense variant is expected to disrupt GAA protein function with a positive predictive value of 95%. For these reasons, this variant has been classified as Pathogenic.

Blueprint Genetics
Classification: Likely pathogenic for GAA-related disorders. Last evaluated: 2023-12-11. Review status: criteria provided, single submitter. Criteria: ACMG Guidelines, 2015. Collection method: clinical testing. Allele origin: germline. Affected: yes. Observed: 2 variant alleles.

Baylor Genetics
Classification: Likely pathogenic for Glycogen storage disease, type II. Last evaluated: 2023-07-12. Review status: criteria provided, single submitter. Criteria: ACMG Guidelines, 2015. Collection method: clinical testing. Allele origin: unknown.

Literature cited by the submitters: PubMed 36246652 (cited by Genomenon, Inc and Labcorp Genetics (formerly Invitae), Labcorp); PubMed 35605642 (cited by Genomenon, Inc); PubMed 33202836 (cited by Genomenon, Inc and Labcorp Genetics (formerly Invitae), Labcorp); PubMed 31392189 (cited by Genomenon, Inc); PubMed 37670900 (cited by Genomenon, Inc and Labcorp Genetics (formerly Invitae), Labcorp); PubMed 35123877 (cited by Genomenon, Inc); PubMed 31342611 (cited by Labcorp Genetics (formerly Invitae), Labcorp).

NM_000152.5(GAA):c.1721T>C (p.Leu574Pro)

Gene: GAA (alpha glucosidase; plus strand). Cytogenetic location: 17q25.3.
Variant type: single nucleotide variant.
Coding change: c.1721T>C on transcript NM_000152.5 (MANE Select); coding-DNA position 1721, T replaced by C.
Protein change: p.Leu574Pro; replaces leucine 574 with proline.
Molecular consequence: missense variant.
Genome position (GRCh38, 1-based): chr17:80,112,067, T>C. VCF-style: chr17-80112067-T-C. GRCh37 (hg19) VCF-style: chr17-78085866-T-C.
Other names: c.1721T>C, p.Leu574Pro (NM_001079803.3, NM_001079804.3, NM_001406741.1 and 1 more transcripts); short protein forms L574P.
Identifiers: ClinVar variation 2675764 (VCV002675764.4), dbSNP rs2510378916, ClinGen allele CA401369079.
Genomic context (GRCh38, chr17:80,112,067, plus strand): 5'-CGGCCACCATCTGTGCCTCCAGCCACCAGTTTCTCTCCACACACTACAACCTGCACAACC[T>C]CTACGGCCTGACCGAAGCCATCGCCTCCCACAGGTGAGGGCCACGTCCCGCCCCACTGGG-3'
Protein context (NP_000143.2, residues 564-584): FLSTHYNLHN[Leu574Pro]YGLTEAIASH